The following is an entry in ClinVar:

ClinVar aggregate classification (germline): Uncertain significance (1 of 4 stars; one submission).

Conditions:
Hypertrophic cardiomyopathy 1 (CMH1). Also called: Familial hypertrophic cardiomyopathy 1; MYH7-Related Familial Hypertrophic Cardiomyopathy. Identifiers: MedGen C3495498, MONDO:0008647, OMIM 192600.

Submission:

Labcorp Genetics (formerly Invitae), Labcorp
Classification: Uncertain significance for Hypertrophic cardiomyopathy 1. Last evaluated: 2023-08-19. Review status: criteria provided, single submitter. Criteria: Invitae Variant Classification Sherloc (09022015). Collection method: clinical testing. Allele origin: germline.
Comment: In summary, the available evidence is currently insufficient to determine the role of this variant in disease. Therefore, it has been classified as a Variant of Uncertain Significance. Advanced modeling of protein sequence and biophysical properties (such as structural, functional, and spatial information, amino acid conservation, physicochemical variation, residue mobility, and thermodynamic stability) performed at Invitae indicates that this missense variant is expected to disrupt MYLK2 protein function. This variant has not been reported in the literature in individuals affected with MYLK2-related conditions. This variant is not present in population databases (gnomAD no frequency). This sequence change replaces isoleucine, which is neutral and non-polar, with phenylalanine, which is neutral and non-polar, at codon 424 of the MYLK2 protein (p.Ile424Phe).

NM_033118.4(MYLK2):c.1270A>T (p.Ile424Phe)

Gene: MYLK2 (myosin light chain kinase 2; plus strand). Cytogenetic location: 20q11.21.
Variant type: single nucleotide variant.
Coding change: c.1270A>T on transcript NM_033118.4 (MANE Select); coding-DNA position 1270, A replaced by T.
Protein change: p.Ile424Phe; replaces isoleucine 424 with phenylalanine.
Molecular consequence: missense variant.
Genome position (GRCh38, 1-based): chr20:31,830,864, A>T. VCF-style: chr20-31830864-A-T. GRCh37 (hg19) VCF-style: chr20-30418667-A-T.
Other names: short protein forms I424F.
Identifiers: ClinVar variation 2753953 (VCV002753953.3), dbSNP rs2515460071, ClinGen allele CA408527499.
Genomic context (GRCh38, chr20:31,830,864, plus strand): 5'-CCCCTTTCTCCTCAGCCAGAGAACATCCTGTGTGTCAACACCACCGGGCATTTGGTGAAG[A>T]TCATTGACTTTGGCCTGGCACGGAGGTACCACCTGGGTGGGTGGGGAGGGCAAGACAAGC-3'
Protein context (NP_149109.1, residues 414-434): CVNTTGHLVK[Ile424Phe]IDFGLARRYN